The following is an entry in ClinVar:

NM_000465.4(BARD1):c.1678-10A>G

Gene: BARD1 (BRCA1 associated RING domain 1; minus strand). Cytogenetic location: 2q35.
Variant type: single nucleotide variant.
Coding change: c.1678-10A>G on transcript NM_000465.4 (MANE Select); 10 bases into the intron before coding-DNA position 1678, A replaced by G.
Molecular consequence: intron variant.
Genome position (GRCh38, 1-based): chr2:214,745,864, T>C on the plus strand (A>G on the coding strand, the complement: BARD1 is on the minus strand). VCF-style: chr2-214745864-T-C. GRCh37 (hg19) VCF-style: chr2-215610588-T-C.
Other names: c.268-10A>G (NM_001282548.2); c.1621-10A>G (NM_001282543.2); c.325-10A>G (NM_001282545.2); c.365-15356A>G (NM_001282549.2).
Identifiers: ClinVar variation 3378858 (VCV003378858.1).

ClinVar aggregate classification (germline): Likely benign (1 of 4 stars; one submission).

Conditions:
Familial cancer of breast. Also called: hereditary breast carcinoma; Hereditary breast cancer; BREAST CANCER, FAMILIAL. Identifiers: Orphanet 227535, MedGen C0346153, MONDO:0016419, OMIM 114480. Disease mechanism: loss of function.

Submission:

Myriad Genetics, Inc.
Classification: Likely benign for Familial cancer of breast. Last evaluated: 2024-07-26. Review status: criteria provided, single submitter. Criteria: Myriad Autosomal Dominant, Autosomal Recessive and X-Linked Classification Criteria (2023). Collection method: clinical testing. Allele origin: unknown.
Comment: This variant is considered likely benign. This variant is intronic and is not expected to impact mRNA splicing.